The following is an entry in ClinVar:

NM_000540.3(RYR1):c.6358A>G (p.Met2120Val)

Gene: RYR1 (ryanodine receptor 1; plus strand). Cytogenetic location: 19q13.2.
Variant type: single nucleotide variant.
Coding change: c.6358A>G on transcript NM_000540.3 (MANE Select); coding-DNA position 6358, A replaced by G.
Protein change: p.Met2120Val; replaces methionine 2120 with valine.
Molecular consequence: missense variant.
Genome position (GRCh38, 1-based): chr19:38,494,435, A>G. VCF-style: chr19-38494435-A-G. GRCh37 (hg19) VCF-style: chr19-38985075-A-G.
Other names: c.6358A>G, p.Met2120Val (NM_001042723.2); short protein forms M2120V.
Identifiers: ClinVar variation 3069449 (VCV003069449.3), dbSNP rs761532503, ClinGen allele CA068154.

ClinVar aggregate classification (germline): Uncertain significance. Review status: criteria provided, multiple submitters, no conflicts (2 of 4 stars). 3 submissions from 3 submitters: Uncertain significance (3). Last evaluated 2026-08-06.

Conditions:
Malignant hyperthermia, susceptibility to, 1 (MHS1). Also called: Malignant hyperthermia suceptibility 1; RYR1-Related Malignant Hyperthermia Susceptibility; Anesthesia related hyperthermia; Malignant hyperpyrexia; Fulminating hyperpyrexia; Pharmacogenic myopathy. Identifiers: Orphanet 423, MedGen C2930980, MONDO:0007783, OMIM 145600.

Allele frequency attached by ClinVar (database versions not stated): gnomAD exomes below 0.00001; gnomAD 0.00001; ExAC 0.00002.
gnomAD v4.1: 8 of 1,612,300 alleles (0.0005%); highest among the groups gnomAD compares: Non-Finnish European, 0.00051%; no homozygotes.

Submissions (3):

OLLIN Analises Genomicas, OLLIN
Classification: Uncertain significance for Malignant hyperthermia, susceptibility to, 1. Last evaluated: 2026-08-06. Review status: criteria provided, single submitter. Criteria: ACMG Guidelines 2015 PMID 25741868. Collection method: clinical testing. Allele origin: germline. Inheritance: Autosomal dominant inheritance.
Comment: This missense variant, located in exon 39 (of 106), has been reported in ClinVar (accession VCV003069449.2) and in gnomAD with an allele frequency of 0.0005%. However, to our knowledge, it has not been reported in the scientific literature. In silico analysis is inconclusive regarding the impact of this variant. This variant is located in a region considered to be a mutational hotspot. According to the currently available evidence, this variant has been classified as uncertain significance (PM1).

Color Diagnostics, LLC DBA Color Health
Classification: Uncertain significance for Malignant hyperthermia, susceptibility to, 1. Last evaluated: 2025-06-03. Review status: criteria provided, single submitter. Criteria: ACMG Guidelines, 2015. Collection method: clinical testing. Allele origin: germline.
Comment: This missense variant replaces methionine with valine at codon 2120 of the RYR1 protein. Computational prediction suggests that this variant may have deleterious impact on protein structure and function. To our knowledge, functional studies have not been reported for this variant. This variant has not been reported in individuals affected with RYR1-related disorders in the literature. This variant has been identified in 2/281676 chromosomes in the general population by the Genome Aggregation Database (gnomAD). The available evidence is insufficient to determine the role of this variant in disease conclusively. Therefore, this variant is classified as a Variant of Uncertain Significance.

All of Us Research Program, National Institutes of Health
Classification: Uncertain significance for Malignant hyperthermia, susceptibility to, 1. Last evaluated: 2023-03-04. Review status: criteria provided, single submitter. Criteria: ACMG Guidelines, 2015. Collection method: clinical testing. Allele origin: germline. Inheritance: Autosomal dominant inheritance. Observed: 1 variant allele, 1 heterozygote.
Comment: This study involves interpretation of variants in research participants for the purpose of population health screening. Participant phenotype was not available at the time of variant classification. Additional details can be found in publication PMID: 35346344, PMCID: PMC8962531